The following is an entry in ClinVar:

NM_000089.4(COL1A2):c.783T>C (p.Pro261=)

Gene: COL1A2 (collagen type I alpha 2 chain; plus strand). Cytogenetic location: 7q21.3.
Variant type: single nucleotide variant.
Coding change: c.783T>C on transcript NM_000089.4 (MANE Select); coding-DNA position 783, T replaced by C.
Protein change: p.Pro261=; no amino-acid change (proline 261 retained).
Molecular consequence: synonymous variant.
Genome position (GRCh38, 1-based): chr7:94,408,814, T>C. VCF-style: chr7-94408814-T-C. GRCh37 (hg19) VCF-style: chr7-94038126-T-C.
Identifiers: ClinVar variation 360948 (VCV000360948.13), dbSNP rs200436925, ClinGen allele CA4346816.

ClinVar aggregate classification (germline): Benign/Likely benign. Review status: criteria provided, multiple submitters, no conflicts (2 of 4 stars). 6 submissions from 5 submitters: Benign (3); Likely benign (3). Last evaluated 2025-11-22.

Conditions:
Osteogenesis imperfecta type I (OI1). Also called: Lobstein disease; OI, TYPE I; OSTEOGENESIS IMPERFECTA TARDA; OSTEOGENESIS IMPERFECTA WITH BLUE SCLERAE; Classic Non-deforming Osteogenesis Imperfecta with Blue Sclerae; Osteogenesis imperfecta type 1. Identifiers: Orphanet 216796, Orphanet 666, MedGen C0023931, MONDO:0008146, OMIM 166200. Disease mechanism: loss of function.
Ehlers-Danlos syndrome, classic type, 1 (EDSCL1). Also called: EHLERS-DANLOS SYNDROME, GRAVIS TYPE; EHLERS-DANLOS SYNDROME, SEVERE CLASSIC TYPE; Ehlers-Danlos Syndrome, Classic Type, COL5A1-Related; EDS I; Ehlers-Danlos syndrome, type 1. Identifiers: MedGen C0268335, MONDO:0019567, OMIM 130000.
Osteogenesis imperfecta (OI). Identifiers: Orphanet 666, MedGen C0029434, MeSH D010013, MONDO:0019019.
Ehlers-Danlos syndrome, arthrochalasia type, 2. Also called: EHLERS-DANLOS SYNDROME, TYPE VIIB, AUTOSOMAL DOMINANT. Identifiers: MedGen CN293783, MONDO:0040501, OMIM 617821.
Cardiovascular phenotype. Identifiers: MedGen CN230736.

Allele frequency attached by ClinVar (database versions not stated): gnomAD exomes 0.00014 and 0.00015; ExAC 0.00022; TOPMed 0.00003; 1000 Genomes Project 30x 0.00047; gnomAD 0.00004 and 0.00009; 1000 Genomes Project 0.00060.
gnomAD v4.1: 221 of 1,614,188 alleles (0.014%); highest among the groups gnomAD compares: East Asian, 0.49%; no homozygotes.

Submissions (6):

Labcorp Genetics (formerly Invitae), Labcorp
Classification: Benign for Osteogenesis imperfecta type I; Ehlers-Danlos syndrome, classic type, 1. Last evaluated: 2025-11-22. Review status: criteria provided, single submitter. Criteria: Invitae Variant Classification Sherloc (09022015). Collection method: clinical testing. Allele origin: germline.

Women's Health and Genetics/Laboratory Corporation of America, LabCorp
Classification: Likely benign. Last evaluated: 2024-12-02. Review status: criteria provided, single submitter. Criteria: LabCorp Variant Classification Summary - May 2015. Collection method: clinical testing. Allele origin: germline.

Ambry Genetics
Classification: Likely benign for Cardiovascular phenotype. Last evaluated: 2021-07-18. Review status: criteria provided, single submitter. Criteria: Ambry Variant Classification Scheme 2023. Collection method: clinical testing. Allele origin: germline.

Illumina Laboratory Services, Illumina
Classification: Benign for Osteogenesis imperfecta. Last evaluated: 2018-01-13. Review status: criteria provided, single submitter. Criteria: ICSL Variant Classification Criteria 13 December 2019. Collection method: clinical testing. Allele origin: germline.
Comment: This variant was observed in the ICSL laboratory as part of a predisposition screen in an ostensibly healthy population. It had not been previously curated by ICSL or reported in the Human Gene Mutation Database (HGMD: prior to June 1st, 2018), and was therefore a candidate for classification through an automated scoring system. Utilizing variant allele frequency, disease prevalence and penetrance estimates, and inheritance mode, an automated score was calculated to assess if this variant is too frequent to cause the disease. Based on the score and internal cut-off values, a variant classified as benign is not then subjected to further curation. The score for this variant resulted in a classification of benign for this disease.

Illumina Laboratory Services, Illumina
Classification: Benign for Ehlers-Danlos syndrome, arthrochalasia type, 2. Last evaluated: 2018-01-13. Review status: criteria provided, single submitter. Criteria: ICSL Variant Classification Criteria 13 December 2019. Collection method: clinical testing. Allele origin: germline.
Comment: the same text as in the submission from Illumina Laboratory Services, Illumina above.

GeneDx
Classification: Likely benign. Last evaluated: 2017-05-15. Review status: criteria provided, single submitter. Criteria: GeneDx Variant Classification (06012015). Collection method: clinical testing. Allele origin: germline. Affected: yes.
Comment: This variant is considered likely benign or benign based on one or more of the following criteria: it is a conservative change, it occurs at a poorly conserved position in the protein, it is predicted to be benign by multiple in silico algorithms, and/or has population frequency not consistent with disease.